The following is an entry in ClinVar:

NM_001287491.2(TET3):c.3713A>C (p.Glu1238Ala)

Gene: TET3 (tet methylcytosine dioxygenase 3; plus strand). Cytogenetic location: 2p13.1.
Variant type: single nucleotide variant.
Coding change: c.3713A>C on transcript NM_001287491.2 (MANE Select); coding-DNA position 3713, A replaced by C.
Protein change: p.Glu1238Ala; replaces glutamic acid 1238 with alanine.
Molecular consequence: missense variant.
Genome position (GRCh38, 1-based): chr2:74,100,501, A>C. VCF-style: chr2-74100501-A-C. GRCh37 (hg19) VCF-style: chr2-74327628-A-C.
Other names: c.3434A>C, p.Glu1145Ala (NM_001366022.1); c.3308A>C, p.Glu1103Ala (NM_144993.1); short protein forms E1103A, E1145A, E1238A.
Identifiers: ClinVar variation 2442728 (VCV002442728.1), dbSNP rs2528185612, ClinGen allele CA347317241.
Genomic context (GRCh38, chr2:74,100,501, plus strand): 5'-TCAAGGTGGAGCCGCAGAACCACTTCAGCTCCTTCAAGTACAGCGGCAACGCGGTGGTGG[A>C]GAGCTACTCGGTGCTGGGCAACTGCCGGCCCTCCGACCCTTACAGCATGAACAGCGTGTA-3'
Protein context (NP_001274420.1, residues 1228-1248): SFKYSGNAVV[Glu1238Ala]SYSVLGNCRP

ClinVar aggregate classification (germline): Uncertain significance (1 of 4 stars; one submission).

Allele frequency attached by ClinVar (database versions not stated): gnomAD exomes below 0.00001.
gnomAD v4.1: 2 of 1,604,752 alleles (0.00012%); highest among the groups gnomAD compares: Non-Finnish European, 0.00017%; no homozygotes.

Submission:

GeneDx
Classification: Uncertain significance. Last evaluated: 2022-08-30. Review status: criteria provided, single submitter. Criteria: GeneDx Variant Classification Process June 2021. Collection method: clinical testing. Allele origin: germline. Affected: yes.
Comment: Not observed at significant frequency in large population cohorts (gnomAD); In silico analysis supports that this missense variant has a deleterious effect on protein structure/function; Has not been previously published as pathogenic or benign to our knowledge